The following is an entry in ClinVar:

ClinVar aggregate classification (germline): Uncertain significance (1 of 4 stars; one submission).

Allele frequency attached by ClinVar (database versions not stated): TOPMed below 0.00001.

Submission:

Labcorp Genetics (formerly Invitae), Labcorp
Classification: Uncertain significance. Last evaluated: 2022-11-28. Review status: criteria provided, single submitter. Criteria: Invitae Variant Classification Sherloc (09022015). Collection method: clinical testing. Allele origin: germline.
Comment: This sequence change creates a premature translational stop signal (p.Cys366*) in the PRDM13 gene. While this is not anticipated to result in nonsense mediated decay, it is expected to disrupt the last 342 amino acid(s) of the PRDM13 protein. In summary, the available evidence is currently insufficient to determine the role of this variant in disease. Therefore, it has been classified as a Variant of Uncertain Significance. Experimental studies and prediction algorithms are not available or were not evaluated, and the functional significance of this variant is currently unknown. This variant has not been reported in the literature in individuals affected with PRDM13-related conditions. This variant is not present in population databases (gnomAD no frequency).

NM_021620.4(PRDM13):c.1098C>A (p.Cys366Ter)

Genes: PRDM13 (PR/SET domain 13; plus strand), LOC129996881 (ATAC-STARR-seq lymphoblastoid silent region 17422; plus strand). Cytogenetic location: 6q16.2.
Variant type: single nucleotide variant.
Coding change: c.1098C>A on transcript NM_021620.4 (MANE Select); coding-DNA position 1098, C replaced by A.
Protein change: p.Cys366Ter; replaces cysteine 366 with a stop codon.
Molecular consequence: nonsense.
Genome position (GRCh38, 1-based): chr6:99,613,733, C>A. VCF-style: chr6-99613733-C-A. GRCh37 (hg19) VCF-style: chr6-100061609-C-A.
Other names: short protein forms C366*.
Identifiers: ClinVar variation 2817112 (VCV002817112.3), dbSNP rs1408671448, ClinGen allele CA365117711.